The following is an entry in ClinVar:

NM_001197224.4(BEAN1):c.152-2555A>C

Gene: BEAN1 (brain expressed associated with NEDD4 1; plus strand). Cytogenetic location: 16q21.
Variant type: single nucleotide variant.
Coding change: c.152-2555A>C on transcript NM_001197224.4; 2555 bases into the intron before coding-DNA position 152, A replaced by C.
Molecular consequence: intron variant.
Genome position (GRCh38, 1-based): chr16:66,490,407, A>C. VCF-style: chr16-66490407-A-C. GRCh37 (hg19) VCF-style: chr16-66524310-A-C.
Identifiers: ClinVar variation 3771996 (VCV003771996.13).

ClinVar aggregate classification (germline): Benign (1 of 4 stars; one submission).

Submission:

CeGaT Center for Human Genetics Tuebingen
Classification: Benign. Last evaluated: 2025-10-01. Review status: criteria provided, single submitter. Criteria: CeGaT Center For Human Genetics Tuebingen Variant Classification Criteria Version 2. Collection method: clinical testing. Allele origin: germline. Affected: yes. Observed: 4 variant alleles.
Comment: BEAN1: BS1, BS2